The following is an entry in ClinVar:

ClinVar aggregate classification (germline): Uncertain significance. Review status: criteria provided, multiple submitters, no conflicts (2 of 4 stars). 2 submissions from 2 submitters: Uncertain significance (2). Last evaluated 2026-05-15.

Conditions:
Hereditary cancer-predisposing syndrome. Also called: Hereditary Cancer Syndrome; Neoplastic Syndromes, Hereditary; Tumor predisposition; Hereditary neoplastic syndrome. Identifiers: Orphanet 140162, MedGen C0027672, MeSH D009386, MONDO:0015356.

Submissions (2):

Ambry Genetics
Classification: Uncertain significance for Hereditary cancer-predisposing syndrome. Last evaluated: 2026-05-15. Review status: criteria provided, single submitter. Criteria: Ambry Variant Classification Scheme 2023. Collection method: clinical testing. Allele origin: germline.
Comment: The p.S1118C variant (also known as c.3353C>G), located in coding exon 27 of the POLE gene, results from a C to G substitution at nucleotide position 3353. The serine at codon 1118 is replaced by cysteine, an amino acid with dissimilar properties. This amino acid position is well conserved in available vertebrate species. In addition, this alteration is predicted to be tolerated by in silico analysis. Based on the available evidence, the clinical significance of this variant remains unclear.

Labcorp Genetics (formerly Invitae), Labcorp
Classification: Uncertain significance. Last evaluated: 2021-04-23. Review status: criteria provided, single submitter. Criteria: Invitae Variant Classification Sherloc (09022015). Collection method: clinical testing. Allele origin: germline.
Comment: This variant has not been reported in the literature in individuals with POLE-related conditions. Algorithms developed to predict the effect of missense changes on protein structure and function are either unavailable or do not agree on the potential impact of this missense change (SIFT: "Deleterious"; PolyPhen-2: "Possibly Damaging"; Align-GVGD: "Class C15"). In summary, the available evidence is currently insufficient to determine the role of this variant in disease. Therefore, it has been classified as a Variant of Uncertain Significance. This sequence change replaces serine with cysteine at codon 1118 of the POLE protein (p.Ser1118Cys). The serine residue is highly conserved and there is a moderate physicochemical difference between serine and cysteine. This variant is not present in population databases (ExAC no frequency).

NM_006231.4(POLE):c.3353C>G (p.Ser1118Cys)

Gene: POLE (DNA polymerase epsilon, catalytic subunit; minus strand). Cytogenetic location: 12q24.33.
Variant type: single nucleotide variant.
Coding change: c.3353C>G on transcript NM_006231.4 (MANE Select); coding-DNA position 3353, C replaced by G.
Protein change: p.Ser1118Cys; replaces serine 1118 with cysteine.
Molecular consequence: missense variant.
Genome position (GRCh38, 1-based): chr12:132,657,893, G>C on the plus strand (C>G on the coding strand, the complement: POLE is on the minus strand). VCF-style: chr12-132657893-G-C. GRCh37 (hg19) VCF-style: chr12-133234479-G-C.
Other names: c.3353C>G (NM_006231.2); short protein forms S1118C.
Identifiers: ClinVar variation 953077 (VCV000953077.10), dbSNP rs2042581222, ClinGen allele CA387389628.